The following is an entry in ClinVar:

NM_018105.3(THAP1):c.*126T>A

Gene: THAP1 (THAP domain containing 1; minus strand). Cytogenetic location: 8p11.21.
Variant type: single nucleotide variant.
Coding change: c.*126T>A on transcript NM_018105.3 (MANE Select); 126 bases downstream of the stop codon, T replaced by A.
Molecular consequence: 3 prime UTR variant.
Genome position (GRCh38, 1-based): chr8:42,837,836, A>T on the plus strand (T>A on the coding strand, the complement: THAP1 is on the minus strand). VCF-style: chr8-42837836-A-T. GRCh37 (hg19) VCF-style: chr8-42692979-A-T.
Other names: c.*410T>A (NM_199003.2).
Identifiers: ClinVar variation 911594 (VCV000911594.4), dbSNP rs528807483, ClinGen allele CA176034045.

ClinVar aggregate classification (germline): Benign (1 of 4 stars; one submission).

Conditions:
Torsion dystonia 6 (DYT6). Also called: DYT-THAP1. Identifiers: Orphanet 98806, MedGen C1414216, MONDO:0011264, OMIM 602629.

Allele frequency attached by ClinVar (database versions not stated): gnomAD 0.00021 and 0.00025; TOPMed 0.00034; 1000 Genomes Project 0.00060; 1000 Genomes Project 30x 0.00062.
gnomAD v4.1: 292 of 1,056,598 alleles (0.028%); highest among the groups gnomAD compares: East Asian, 0.31%; 2 homozygotes.

Submission:

Illumina Laboratory Services, Illumina
Classification: Benign for Torsion dystonia 6. Last evaluated: 2018-01-13. Review status: criteria provided, single submitter. Criteria: ICSL Variant Classification Criteria 13 December 2019. Collection method: clinical testing. Allele origin: germline.
Comment: This variant was observed in the ICSL laboratory as part of a predisposition screen in an ostensibly healthy population. It had not been previously curated by ICSL or reported in the Human Gene Mutation Database (HGMD: prior to June 1st, 2018), and was therefore a candidate for classification through an automated scoring system. Utilizing variant allele frequency, disease prevalence and penetrance estimates, and inheritance mode, an automated score was calculated to assess if this variant is too frequent to cause the disease. Based on the score and internal cut-off values, a variant classified as benign is not then subjected to further curation. The score for this variant resulted in a classification of benign for this disease.